The following is an entry in ClinVar:

NM_015192.4(PLCB1):c.2710+81A>G

Gene: PLCB1 (phospholipase C beta 1; plus strand). Cytogenetic location: 20p12.3.
Variant type: single nucleotide variant.
Coding change: c.2710+81A>G on transcript NM_015192.4 (MANE Select); 81 bases into the intron after coding-DNA position 2710, A replaced by G.
Molecular consequence: intron variant.
Genome position (GRCh38, 1-based): chr20:8,760,541, A>G. VCF-style: chr20-8760541-A-G. GRCh37 (hg19) VCF-style: chr20-8741188-A-G.
Other names: c.2710+81A>G (NM_182734.3).
Identifiers: ClinVar variation 1247334 (VCV001247334.5), dbSNP rs2294596, ClinGen allele CA311259517.

ClinVar aggregate classification (germline): Benign. Review status: criteria provided, multiple submitters, no conflicts (2 of 4 stars). 3 submissions from 3 submitters: Benign (3). Last evaluated 2024-07-15.

Allele frequency attached by ClinVar (database versions not stated): gnomAD 0.33958 and 0.33960; TOPMed 0.34524; gnomAD exomes 0.35701; 1000 Genomes Project 30x 0.36102; 1000 Genomes Project 0.36242.
gnomAD v4.1: 325,077 of 920,148 alleles (35%); highest among the groups gnomAD compares: East Asian, 51%; 59,963 homozygotes.

Submissions (3):

Unidad de Genómica Garrahan, Hospital de Pediatría Garrahan
Classification: Benign. Last evaluated: 2024-07-15. Review status: criteria provided, single submitter. Criteria: ACMG Guidelines, 2015. Collection method: clinical testing. Allele origin: germline. Affected: no. Observed: 73 variant alleles.
Comment: This variant is classified as Benign based on local population frequency. This variant was detected in 78% of patients studied in a panel designed for Epileptic and Developmental Encephalopathy and Progressive Myoclonus Epilepsy. Number of patients: 73. Only high quality variants are reported.

GeneDx
Classification: Benign. Last evaluated: 2020-11-20. Review status: criteria provided, single submitter. Criteria: GeneDx Variant Classification Process June 2021. Collection method: clinical testing. Allele origin: germline. Affected: yes.

Breakthrough Genomics
Classification: Benign. Review status: criteria provided, single submitter. Criteria: ACMG Guidelines, 2015. Collection method: not provided. Allele origin: germline. Inheritance: Autosomal recessive inheritance. Affected: yes.